The following is an entry in ClinVar:

NM_017662.5(TRPM6):c.5218G>A (p.Val1740Ile)

Gene: TRPM6 (transient receptor potential cation channel subfamily M member 6; minus strand). Cytogenetic location: 9q21.13.
Variant type: single nucleotide variant.
Coding change: c.5218G>A on transcript NM_017662.5 (MANE Select); coding-DNA position 5218, G replaced by A.
Protein change: p.Val1740Ile; replaces valine 1740 with isoleucine.
Molecular consequence: missense variant.
Genome position (GRCh38, 1-based): chr9:74,739,992, C>T on the plus strand (G>A on the coding strand, the complement: TRPM6 is on the minus strand). VCF-style: chr9-74739992-C-T. GRCh37 (hg19) VCF-style: chr9-77354908-C-T.
Other names: c.5203G>A, p.Val1735Ile (NM_001177310.2, NM_001177311.2); short protein forms V1735I, V1740I.
Identifiers: ClinVar variation 3597517 (VCV003597517.2).
Genomic context (GRCh38, chr9:74,739,992, plus strand): 5'-GAGACCAAGAGGACATGCTTTTATCAAGGTTTAAAGGGGAACTCTCCTCCAACCTGTAGA[C>T]AGTTATTTCTTCTCCTGCTGCAAAGAGAAGTGAAGGCTAGGAATTCAATAAGATTGCCAT-3'
Protein context (NP_060132.3, residues 1730-1750): VQLFAGEEIT[Val1740Ile]YRLEESSPLN

ClinVar aggregate classification (germline): Conflicting classifications of pathogenicity. Review status: criteria provided, conflicting classifications (1 of 4 stars). 2 submissions from 2 submitters: Uncertain significance (1); Likely benign (1). Last evaluated 2026-07-01.

Conditions:
Intestinal hypomagnesemia 1. Also called: HYPOMAGNESEMIA, INTESTINAL, WITH SECONDARY HYPOCALCEMIA; HYPOMAGNESEMIC TETANY. Identifiers: Orphanet 30924, MedGen C1865974, MONDO:0011176, OMIM 602014.

Submissions (2):

CeGaT Center for Human Genetics Tuebingen
Classification: Likely benign. Last evaluated: 2026-07-01. Review status: criteria provided, single submitter. Criteria: CeGaT Center For Human Genetics Tuebingen Variant Classification Criteria Version 2. Collection method: clinical testing. Allele origin: germline. Affected: yes. Observed: 1 variant allele.
Comment: TRPM6: BP4

Fulgent Genetics
Classification: Uncertain significance for Intestinal hypomagnesemia 1. Last evaluated: 2024-05-07. Review status: criteria provided, single submitter. Criteria: ACMG Guidelines, 2015. Collection method: clinical testing. Allele origin: germline.